The following is an entry in ClinVar:

ClinVar aggregate classification (germline): Uncertain significance (1 of 4 stars; one submission).

gnomAD v4.1: 10 of 1,613,628 alleles (0.00062%); highest among the groups gnomAD compares: Non-Finnish European, 0.00085%; no homozygotes.

Submission:

GeneDx
Classification: Uncertain significance. Last evaluated: 2023-08-16. Review status: criteria provided, single submitter. Criteria: GeneDx Variant Classification Process June 2021. Collection method: clinical testing. Allele origin: germline. Affected: yes.
Comment: Not observed at significant frequency in large population cohorts (gnomAD); In silico analysis supports that this missense variant has a deleterious effect on protein structure/function; Has not been previously published as pathogenic or benign to our knowledge

NM_000829.4(GRIA4):c.484A>G (p.Arg162Gly)

Genes: GRIA4 (glutamate ionotropic receptor AMPA type subunit 4; plus strand), LOC126861324 (CDK7 strongly-dependent group 2 enhancer GRCh37_chr11:105623830-105625029; plus strand). Cytogenetic location: 11q22.3.
Variant type: single nucleotide variant.
Coding change: c.484A>G on transcript NM_000829.4 (MANE Select); coding-DNA position 484, A replaced by G.
Protein change: p.Arg162Gly; replaces arginine 162 with glycine.
Molecular consequence: missense variant. On other transcripts: non-coding transcript variant (1).
Genome position (GRCh38, 1-based): chr11:105,753,217, A>G. VCF-style: chr11-105753217-A-G. GRCh37 (hg19) VCF-style: chr11-105623943-A-G.
Other names: c.484A>G, p.Arg162Gly (NM_001077243.3, NM_001077244.2, NM_001112812.2); short protein forms R162G.
Identifiers: ClinVar variation 3340893 (VCV003340893.1).